The following is an entry in ClinVar:

NM_020693.4(DSCAML1):c.5881C>T (p.Pro1961Ser)

Gene: DSCAML1 (DS cell adhesion molecule like 1; minus strand). Cytogenetic location: 11q23.3.
Variant type: single nucleotide variant.
Coding change: c.5881C>T on transcript NM_020693.4 (MANE Select); coding-DNA position 5881, C replaced by T.
Protein change: p.Pro1961Ser; replaces proline 1961 with serine.
Molecular consequence: missense variant.
Genome position (GRCh38, 1-based): chr11:117,428,609, G>A on the plus strand (C>T on the coding strand, the complement: DSCAML1 is on the minus strand). VCF-style: chr11-117428609-G-A. GRCh37 (hg19) VCF-style: chr11-117299325-G-A.
Other names: short protein forms P1961S.
Identifiers: ClinVar variation 2895881 (VCV002895881.3), dbSNP rs2047715190, ClinGen allele CA382751218.
Genomic context (GRCh38, chr11:117,428,609, plus strand): 5'-CTGGGGGGGCTGGCATGGCCAGAGTCCTCTGAGGTAAGGTGGCTGTGGAGGCGGCAGCGG[G>A]GGCCCCTGGGTGGGGAAGGCCCAAGGACTTGCTGGCAGGGTCCAGGGTCAGGTGGCGAGC-3'
Protein context (NP_065744.3, residues 1951-1971): KSLGLPHPGA[Pro1961Ser]AAASTATLPQ

ClinVar aggregate classification (germline): Uncertain significance (1 of 4 stars; one submission).

Allele frequency attached by ClinVar (database versions not stated): gnomAD exomes below 0.00001; TOPMed below 0.00001.
gnomAD v4.1: 3 of 1,606,328 alleles (0.00019%); highest among the groups gnomAD compares: East Asian, 0.0022%; no homozygotes.

Submission:

Labcorp Genetics (formerly Invitae), Labcorp
Classification: Uncertain significance. Last evaluated: 2023-01-24. Review status: criteria provided, single submitter. Criteria: Invitae Variant Classification Sherloc (09022015). Collection method: clinical testing. Allele origin: germline.
Comment: This sequence change replaces proline, which is neutral and non-polar, with serine, which is neutral and polar, at codon 2021 of the DSCAML1 protein (p.Pro2021Ser). This variant is not present in population databases (gnomAD no frequency). This variant has not been reported in the literature in individuals affected with DSCAML1-related conditions. Algorithms developed to predict the effect of missense changes on protein structure and function (SIFT, PolyPhen-2, Align-GVGD) all suggest that this variant is likely to be tolerated. In summary, the available evidence is currently insufficient to determine the role of this variant in disease. Therefore, it has been classified as a Variant of Uncertain Significance.